The following is an entry in ClinVar:

ClinVar aggregate classification (germline): Uncertain significance. Review status: criteria provided, multiple submitters, no conflicts (2 of 4 stars). 6 submissions from 6 submitters: Uncertain significance (6). Last evaluated 2026-04-02.

Conditions:
Familial thoracic aortic aneurysm and aortic dissection (TAAD). Also called: Thoracic aortic aneurysms and dissections. Identifiers: Orphanet 91387, MedGen C4707243, MONDO:0019625.
Ehlers-Danlos syndrome, type 4 (EDSVASC). Also called: Ehlers-Danlos syndrome vascular type; Ehlers Danlos syndrome, ecchymotic type; Ehlers Danlos syndrome, arterial type; Ehlers Danlos syndrome, Sack-Barabas type; Ehlers-Danlos Syndrome Type IV. Identifiers: Orphanet 286, MedGen C0268338, MONDO:0017314, OMIM 130050.

Allele frequency attached by ClinVar (database versions not stated): ExAC 0.00001; gnomAD 0.00002; gnomAD exomes 0.00002; TOPMed 0.00014.
gnomAD v4.1: 28 of 1,613,970 alleles (0.0017%); highest among the groups gnomAD compares: Middle Eastern, 0.016%; no homozygotes.

Submissions (6):

Women's Health and Genetics/Laboratory Corporation of America, LabCorp
Classification: Uncertain significance. Last evaluated: 2026-04-02. Review status: criteria provided, single submitter. Criteria: LabCorp Variant Classification Summary - May 2015. Collection method: clinical testing. Allele origin: germline.
Comment: Variant summary: COL3A1 c.3653C>T (p.Pro1218Leu) results in a non-conservative amino acid change in the encoded protein sequence. Algorithms developed to predict the effect of missense changes on protein structure and function are either unavailable or do not agree on the potential impact of this missense change. The variant allele was found at a frequency of 2.4e-05 in 251374 control chromosomes. The available data on variant occurrences in the general population are insufficient to allow any conclusion about variant significance. To our knowledge, no occurrence of c.3653C>T in individuals affected with COL3A1-related conditions and no experimental evidence demonstrating its impact on protein function have been reported. ClinVar contains an entry for this variant (Variation ID: 459790). Based on the evidence outlined above, the variant was classified as uncertain significance.

Labcorp Genetics (formerly Invitae), Labcorp
Classification: Uncertain significance for Ehlers-Danlos syndrome, type 4. Last evaluated: 2025-10-27. Review status: criteria provided, single submitter. Criteria: Invitae Variant Classification Sherloc (09022015). Collection method: clinical testing. Allele origin: germline.
Comment: This sequence change replaces proline, which is neutral and non-polar, with leucine, which is neutral and non-polar, at codon 1218 of the COL3A1 protein (p.Pro1218Leu). This variant is present in population databases (rs763901831, gnomAD 0.006%). This variant has not been reported in the literature in individuals affected with COL3A1-related conditions. ClinVar contains an entry for this variant (Variation ID: 459790). Invitae Evidence Modeling of protein sequence and biophysical properties (such as structural, functional, and spatial information, amino acid conservation, physicochemical variation, residue mobility, and thermodynamic stability) indicates that this missense variant is not expected to disrupt COL3A1 protein function with a negative predictive value of 95%. In summary, the available evidence is currently insufficient to determine the role of this variant in disease. Therefore, it has been classified as a Variant of Uncertain Significance.

Ambry Genetics
Classification: Uncertain significance for Familial thoracic aortic aneurysm and aortic dissection. Last evaluated: 2024-11-01. Review status: criteria provided, single submitter. Criteria: Ambry Variant Classification Scheme 2023. Collection method: clinical testing. Allele origin: germline.
Comment: The p.P1218L variant (also known as c.3653C>T), located in coding exon 48 of the COL3A1 gene, results from a C to T substitution at nucleotide position 3653. The proline at codon 1218 is replaced by leucine, an amino acid with similar properties. This amino acid position is well conserved in available vertebrate species. In addition, the in silico prediction for this alteration is inconclusive. Based on the available evidence, the clinical significance of this variant remains unclear.

All of Us Research Program, National Institutes of Health
Classification: Uncertain significance for Ehlers-Danlos syndrome, type 4. Last evaluated: 2024-08-06. Review status: criteria provided, single submitter. Criteria: ACMG Guidelines, 2015. Collection method: clinical testing. Allele origin: germline. Inheritance: Autosomal dominant inheritance. Observed: 20 variant alleles, 20 heterozygotes.
Comment: This missense variant replaces proline with leucine at codon 1218 of the COL3A1 protein. Computational prediction suggests that this variant may not impact protein structure and function (internally defined REVEL score threshold <= 0.5, PMID: 27666373). To our knowledge, functional studies have not been reported for this variant. This variant has not been reported in individuals affected with cardiovascular disorders in the literature. This variant has been identified in 6/251374 chromosomes in the general population by the Genome Aggregation Database (gnomAD). The available evidence is insufficient to determine the role of this variant in disease conclusively. Therefore, this variant is classified as a Variant of Uncertain Significance.

This study involves interpretation of variants in research participants for the purpose of population health screening. Participant phenotype was not available at the time of variant classification. Additional details can be found in publication PMID: 35346344, PMCID: PMC8962531

Color Diagnostics, LLC DBA Color Health
Classification: Uncertain significance for Familial thoracic aortic aneurysm and aortic dissection. Last evaluated: 2024-03-08. Review status: criteria provided, single submitter. Criteria: ACMG Guidelines, 2015. Collection method: clinical testing. Allele origin: germline.
Comment: This missense variant replaces proline with leucine at codon 1218 of the COL3A1 protein. Computational prediction tools indicate that this variant has a neutral impact on protein structure and function. To our knowledge, functional studies have not been reported for this variant. This variant has not been reported in individuals affected with COL3A1-related disorders in the literature. This variant has been identified in 6/251374 chromosomes in the general population by the Genome Aggregation Database (gnomAD). The available evidence is insufficient to determine the role of this variant in disease conclusively. Therefore, this variant is classified as a Variant of Uncertain Significance.

GeneDx
Classification: Uncertain significance. Last evaluated: 2022-08-10. Review status: criteria provided, single submitter. Criteria: GeneDx Variant Classification Process June 2021. Collection method: clinical testing. Allele origin: germline. Affected: yes.
Comment: In silico analysis supports that this missense variant has a deleterious effect on protein structure/function; Has not been previously published as pathogenic or benign to our knowledge; Not located in the triple helical region, where the majority of pathogenic missense variants occur (HGMD)

NM_000090.4(COL3A1):c.3653C>T (p.Pro1218Leu)

Gene: COL3A1 (collagen type III alpha 1 chain; plus strand). Cytogenetic location: 2q32.2.
Variant type: single nucleotide variant.
Coding change: c.3653C>T on transcript NM_000090.4 (MANE Select); coding-DNA position 3653, C replaced by T.
Protein change: p.Pro1218Leu; replaces proline 1218 with leucine.
Molecular consequence: missense variant.
Genome position (GRCh38, 1-based): chr2:189,009,051, C>T. VCF-style: chr2-189009051-C-T. GRCh37 (hg19) VCF-style: chr2-189873777-C-T.
Other names: short protein forms P1218L.
Identifiers: ClinVar variation 459790 (VCV000459790.19), dbSNP rs763901831, ClinGen allele CA076228.